The following is an entry in ClinVar:

NM_001148.6(ANK2):c.9050C>T (p.Pro3017Leu)

Gene: ANK2 (ankyrin 2; plus strand). Cytogenetic location: 4q26.
Variant type: single nucleotide variant.
Coding change: c.9050C>T on transcript NM_001148.6 (MANE Select); coding-DNA position 9050, C replaced by T.
Protein change: p.Pro3017Leu; replaces proline 3017 with leucine.
Molecular consequence: missense variant. On other transcripts: intron variant (68).
Genome position (GRCh38, 1-based): chr4:113,357,668, C>T. VCF-style: chr4-113357668-C-T. GRCh37 (hg19) VCF-style: chr4-114278824-C-T.
Other names: c.8816C>T, p.Pro2939Leu (NM_001386142.1); c.5450C>T, p.Pro1817Leu (NM_001386166.1); c.9191C>T, p.Pro3064Leu (NM_001386174.1); c.9167C>T, p.Pro3056Leu (NM_001386175.1); c.4412-3155C>T (NM_001386186.2, NM_001386148.2); c.4214-3155C>T (NM_001354269.3); c.4292-3155C>T (NM_001386187.2); c.4253-3155C>T (NM_001386147.1); and 35 more; short protein forms P2939L, P1817L, P3017L, P3064L, P3056L.
Identifiers: ClinVar variation 3863676 (VCV003863676.1).

ClinVar aggregate classification (germline): Uncertain significance (1 of 4 stars; one submission).

Conditions:
Cardiovascular phenotype. Identifiers: MedGen CN230736.

Submission:

Ambry Genetics
Classification: Uncertain significance for Cardiovascular phenotype. Last evaluated: 2024-12-13. Review status: criteria provided, single submitter. Criteria: Ambry Variant Classification Scheme 2023. Collection method: clinical testing. Allele origin: germline.
Comment: The p.P3017L variant (also known as c.9050C>T), located in coding exon 38 of the ANK2 gene, results from a C to T substitution at nucleotide position 9050. The proline at codon 3017 is replaced by leucine, an amino acid with similar properties. This amino acid position is conserved. In addition, the in silico prediction for this alteration is inconclusive. Based on the available evidence, the clinical significance of this variant remains unclear.